The following is an entry in ClinVar:

NM_003289.4(TPM2):c.295C>T (p.Leu99=)

Gene: TPM2 (tropomyosin 2; minus strand). Cytogenetic location: 9p13.3.
Variant type: single nucleotide variant.
Coding change: c.295C>T on transcript NM_003289.4 (MANE Select); coding-DNA position 295, C replaced by T.
Protein change: p.Leu99=; no amino-acid change (leucine 99 retained).
Molecular consequence: synonymous variant.
Genome position (GRCh38, 1-based): chr9:35,685,726, G>A on the plus strand (C>T on the coding strand, the complement: TPM2 is on the minus strand). VCF-style: chr9-35685726-G-A. GRCh37 (hg19) VCF-style: chr9-35685723-G-A.
Other names: c.295C>T, p.Leu99= (NM_001301226.2, NM_001301227.2, NM_213674.1).
Identifiers: ClinVar variation 682500 (VCV000682500.8), dbSNP rs904588318, ClinGen allele CA192758117.

ClinVar aggregate classification (germline): Likely benign. Review status: criteria provided, multiple submitters, no conflicts (2 of 4 stars). 2 submissions from 2 submitters: Likely benign (2). Last evaluated 2025-01-13.

Conditions:
Arthrogryposis, distal, type 1A. Also called: ARTHROGRYPOSIS MULTIPLEX CONGENITA, DISTAL, TYPE I. Identifiers: Orphanet 1146, MedGen C6022280, MONDO:0007157, OMIM 108120.

Allele frequency attached by ClinVar (database versions not stated): gnomAD 0.00001; gnomAD exomes 0.00001 and 0.00002; TOPMed 0.00001.

Submissions (2):

Labcorp Genetics (formerly Invitae), Labcorp
Classification: Likely benign for Arthrogryposis, distal, type 1A. Last evaluated: 2025-01-13. Review status: criteria provided, single submitter. Criteria: Invitae Variant Classification Sherloc (09022015). Collection method: clinical testing. Allele origin: germline.

GeneDx
Classification: Likely benign. Last evaluated: 2018-04-26. Review status: criteria provided, single submitter. Criteria: GeneDx Variant Classification (06012015). Collection method: clinical testing. Allele origin: germline. Affected: yes.
Comment: This variant is considered likely benign or benign based on one or more of the following criteria: it is a conservative change, it occurs at a poorly conserved position in the protein, it is predicted to be benign by multiple in silico algorithms, and/or has population frequency not consistent with disease.